The following is an entry in ClinVar:

NM_000397.4(CYBB):c.1223G>A (p.Gly408Glu)

Gene: CYBB (cytochrome b-245 beta chain; plus strand). Cytogenetic location: Xp11.4.
Variant type: single nucleotide variant.
Coding change: c.1223G>A on transcript NM_000397.4 (MANE Select); coding-DNA position 1223, G replaced by A.
Protein change: p.Gly408Glu; replaces glycine 408 with glutamic acid.
Molecular consequence: missense variant.
Genome position (GRCh38, 1-based): chrX:37,805,077, G>A. VCF-style: chrX-37805077-G-A. GRCh37 (hg19) VCF-style: chrX-37664330-G-A.
Other names: short protein forms G408E.
Identifiers: ClinVar variation 68377 (VCV000068377.5), dbSNP rs151344474, ClinGen allele CA219685.

ClinVar aggregate classification (germline): Pathogenic. Review status: criteria provided, multiple submitters, no conflicts (2 of 4 stars). 3 submissions from 3 submitters: Pathogenic (2). 1 of the submissions does not count toward it. Last evaluated 2026-02-04.

Conditions:
CYBB-related disorders.

Submissions (3):

GeneDx
Classification: Pathogenic. Last evaluated: 2026-02-04. Review status: criteria provided, single submitter. Criteria: GeneDx Variant Classification Process June 2021. Collection method: clinical testing. Allele origin: germline. Affected: yes.
Comment: Published functional studies demonstrate abolished NADPH oxidase activity, disrupted electron transfer from NADPH to FAD, and inhibited translocation of certain proteins (PMID: 20724480); Not observed at significant frequency in large population cohorts (gnomAD); In silico analysis supports that this missense variant has a deleterious effect on protein structure/function; This variant is associated with the following publications: (PMID: 35796921, 8634410, 10627478, 20729109, 26210446, 29560547, 36755623, 20724480, 9585602)

Blueprint Genetics
Classification: Pathogenic for CYBB-related disorders. Last evaluated: 2023-02-06. Review status: criteria provided, single submitter. Criteria: ACMG Guidelines, 2015. Collection method: clinical testing. Allele origin: germline. Affected: yes. Observed: 1 variant allele.

UniProtKB/Swiss-Prot
No classification provided. Review status: no classification provided. Collection method: not provided. Allele origin: not provided. Not counted in ClinVar's aggregate classification.